The following is an entry in ClinVar:

ClinVar aggregate classification (germline): Benign. Review status: criteria provided, multiple submitters, no conflicts (2 of 4 stars). 6 submissions from 6 submitters: Benign (6). Last evaluated 2026-02-02.

Conditions:
Inborn genetic diseases. Identifiers: MedGen C0950123, MeSH D030342.
Neuronal ceroid lipofuscinosis. Also called: Neuronal Ceroid Lipofuscinoses. Identifiers: Orphanet 216, Orphanet 79263, MedGen C0027877, MONDO:0016295. Disease mechanism: loss of function.
Neuronal ceroid lipofuscinosis 10 (CLN10). Also called: CTSD-Related Neuronal Ceroid-Lipofuscinosis; NEURONAL CEROID LIPOFUSCINOSIS DUE TO CATHEPSIN D DEFICIENCY. Identifiers: Orphanet 228337, MedGen C1864669, MONDO:0012414, OMIM 610127.

Allele frequency attached by ClinVar (database versions not stated): ESP Exome Variant Server 0.00008; gnomAD 0.00211 and 0.00305; gnomAD exomes 0.00234 and 0.00595; TOPMed 0.00256; ExAC 0.00609; 1000 Genomes Project 30x 0.01608; 1000 Genomes Project 0.01797.
gnomAD v4.1: 3,667 of 1,479,412 alleles (0.25%); highest among the groups gnomAD compares: East Asian, 8.6%; 120 homozygotes.

Submissions (6):

Labcorp Genetics (formerly Invitae), Labcorp
Classification: Benign for Neuronal ceroid lipofuscinosis. Last evaluated: 2026-02-02. Review status: criteria provided, single submitter. Criteria: Invitae Variant Classification Sherloc (09022015). Collection method: clinical testing. Allele origin: germline.

Mayo Clinic Laboratories, Mayo Clinic
Classification: Benign. Last evaluated: 2022-03-14. Review status: criteria provided, single submitter. Criteria: ACMG Guidelines, 2015. Collection method: clinical testing. Allele origin: germline. Observed: 4 variant alleles.

Illumina Laboratory Services, Illumina
Classification: Benign for Neuronal ceroid lipofuscinosis 10. Last evaluated: 2018-01-13. Review status: criteria provided, single submitter. Criteria: ICSL Variant Classification Criteria 13 December 2019. Collection method: clinical testing. Allele origin: germline.
Comment: This variant was observed in the ICSL laboratory as part of a predisposition screen in an ostensibly healthy population. It had not been previously curated by ICSL or reported in the Human Gene Mutation Database (HGMD: prior to June 1st, 2018), and was therefore a candidate for classification through an automated scoring system. Utilizing variant allele frequency, disease prevalence and penetrance estimates, and inheritance mode, an automated score was calculated to assess if this variant is too frequent to cause the disease. Based on the score and internal cut-off values, a variant classified as benign is not then subjected to further curation. The score for this variant resulted in a classification of benign for this disease.

Athena Diagnostics
Classification: Benign. Last evaluated: 2017-03-28. Review status: criteria provided, single submitter. Criteria: Athena Diagnostics Criteria. Collection method: clinical testing. Allele origin: germline.

Ambry Genetics
Classification: Benign for Inborn genetic diseases. Last evaluated: 2017-02-01. Review status: criteria provided, single submitter. Criteria: Ambry Variant Classification Scheme 2023. Collection method: clinical testing. Allele origin: germline.

GeneDx
Classification: Benign. Last evaluated: 2013-01-16. Review status: criteria provided, single submitter. Criteria: GeneDx Variant Classification (06012015). Collection method: clinical testing. Allele origin: germline. Affected: yes.
Comment: This variant is considered likely benign or benign based on one or more of the following criteria: it is a conservative change, it occurs at a poorly conserved position in the protein, it is predicted to be benign by multiple in silico algorithms, and/or has population frequency not consistent with disease.

NM_001909.5(CTSD):c.951C>T (p.Ala317=)

Gene: CTSD (cathepsin D; minus strand). Cytogenetic location: 11p15.5.
Variant type: single nucleotide variant.
Coding change: c.951C>T on transcript NM_001909.5 (MANE Select); coding-DNA position 951, C replaced by T.
Protein change: p.Ala317=; no amino-acid change (alanine 317 retained).
Molecular consequence: synonymous variant.
Genome position (GRCh38, 1-based): chr11:1,754,015, G>A on the plus strand (C>T on the coding strand, the complement: CTSD is on the minus strand). VCF-style: chr11-1754015-G-A. GRCh37 (hg19) VCF-style: chr11-1775245-G-A.
Other names: p.A317A:GCC>GCT; p.Ala317=.
Identifiers: ClinVar variation 137041 (VCV000137041.22), dbSNP rs78306946, ClinGen allele CA290526.